The following is an entry in ClinVar:

ClinVar aggregate classification (germline): Pathogenic (1 of 4 stars; one submission).

Conditions:
Fanconi anemia (FA). Also called: Fanconi's anemia. Identifiers: Orphanet 84, MedGen C0015625, MeSH D005199, MONDO:0019391.

Submission:

Labcorp Genetics (formerly Invitae), Labcorp
Classification: Pathogenic for Fanconi anemia. Last evaluated: 2021-07-30. Review status: criteria provided, single submitter. Criteria: Invitae Variant Classification Sherloc (09022015). Collection method: clinical testing. Allele origin: germline.
Comment: For these reasons, this variant has been classified as Pathogenic. This variant has not been reported in the literature in individuals with FANCG-related conditions. The frequency data for this variant in the population databases is considered unreliable, as metrics indicate poor data quality at this position in the ExAC database. This sequence change creates a premature translational stop signal (p.Thr72Serfs*8) in the FANCG gene. It is expected to result in an absent or disrupted protein product. Loss-of-function variants in FANCG are known to be pathogenic (PMID: 12552564).

Literature cited by the submitters: PubMed 12552564.

NM_004629.2(FANCG):c.214_217del (p.Thr72fs)

Gene: FANCG (FA complementation group G; minus strand). Cytogenetic location: 9p13.3.
Variant type: Deletion.
Coding change: c.214_217del on transcript NM_004629.2 (MANE Select); coding-DNA positions 214 to 217, 4 bases deleted (ACTG; older notation c.214_217delACTG).
Protein change: p.Thr72fs; shifts the reading frame from threonine 72.
Molecular consequence: frameshift variant.
Genome position (GRCh38, 1-based): chr9:35,078,695-35,078,698, CAGT deleted on the plus strand (ACTG on the coding strand, the reverse complement: FANCG is on the minus strand); deleting any 4 consecutive bases within chr9:35,078,695-35,078,701 gives the same sequence; the c. name uses the placement nearest the transcript's 3' end. VCF-style (leftmost placement, unchanged base first): chr9-35078694-ACAGT-A. GRCh37 (hg19) VCF-style: chr9-35078691-ACAGT-A.
Other names: short protein forms T72fs.
Identifiers: ClinVar variation 1442713 (VCV001442713.6), dbSNP rs747660501, ClinGen allele CA5040103.
Genomic context (GRCh38, chr9:35,078,694, plus strand): 5'-GCCTGATCCTCTGTGAAACCCTGGGCCAAGCTTGCCCTCAGGATAATGAAGTTGCAGGTG[ACAGT>A]CAGCTCCAAGGGAAGAACAGGAACAGCTGCAGGGAGCCCTGGAGCAACAATGTTGGTCTT-3'